The following is an entry in ClinVar:

NM_016284.5(CNOT1):c.259T>C (p.Phe87Leu)

Gene: CNOT1 (CCR4-NOT transcription complex subunit 1; minus strand). Cytogenetic location: 16q21.
Variant type: single nucleotide variant.
Coding change: c.259T>C on transcript NM_016284.5 (MANE Select); coding-DNA position 259, T replaced by C.
Protein change: p.Phe87Leu; replaces phenylalanine 87 with leucine.
Molecular consequence: missense variant. On other transcripts: non-coding transcript variant (1).
Genome position (GRCh38, 1-based): chr16:58,587,830, A>G on the plus strand (T>C on the coding strand, the complement: CNOT1 is on the minus strand). VCF-style: chr16-58587830-A-G. GRCh37 (hg19) VCF-style: chr16-58621734-A-G.
Other names: c.259T>C, p.Phe87Leu (NM_001265612.2, NM_206999.3); short protein forms F87L.
Identifiers: ClinVar variation 3251776 (VCV003251776.1), dbSNP rs2041925868.

ClinVar aggregate classification (germline): Uncertain significance (1 of 4 stars; one submission).

Allele frequency attached by ClinVar (database versions not stated): TOPMed below 0.00001.

Submission:

Women's Health and Genetics/Laboratory Corporation of America, LabCorp
Classification: Uncertain significance. Last evaluated: 2024-04-23. Review status: criteria provided, single submitter. Criteria: LabCorp Variant Classification Summary - May 2015. Collection method: clinical testing. Allele origin: germline.
Comment: Variant summary: CNOT1 c.259T>C (p.Phe87Leu) results in a non-conservative amino acid change in the encoded protein sequence. Three of five in-silico tools predict a benign effect of the variant on protein function. The variant was absent in 251192 control chromosomes. The available data on variant occurrences in the general population are insufficient to allow any conclusion about variant significance. To our knowledge, no occurrence of c.259T>C in individuals affected with Vissers-Bodmer Syndrome and no experimental evidence demonstrating its impact on protein function have been reported. No submitters have cited clinical-significance assessments for this variant to ClinVar. Based on the evidence outlined above, the variant was classified as uncertain significance.